The following is an entry in ClinVar:

ClinVar aggregate classification (germline): Benign (0 of 4 stars; one submission).

Conditions:
DCHS2-related disorder. Also called: DCHS2-related condition.

Allele frequency attached by ClinVar (database versions not stated): gnomAD exomes 0.00078; 1000 Genomes Project 0.00359; ExAC 0.00379; gnomAD 0.00409; 1000 Genomes Project 30x 0.00437.
gnomAD v4.1: 1,763 of 1,546,912 alleles (0.11%); highest among the groups gnomAD compares: African/African-American, 1.3%; 5 homozygotes.

Submission:

PreventionGenetics, part of Exact Sciences
Classification: Benign for DCHS2-related condition. Last evaluated: 2019-10-28. Review status: no assertion criteria provided. Collection method: clinical testing. Allele origin: germline.
Comment: This variant is classified as benign based on ACMG/AMP sequence variant interpretation guidelines (Richards et al. 2015 PMID: 25741868, with internal and published modifications).

NM_001358235.2(DCHS2):c.1058C>A (p.Ala353Glu)

Gene: DCHS2 (dachsous cadherin-related 2; minus strand). Cytogenetic location: 4q31.3.
Variant type: single nucleotide variant.
Coding change: c.1058C>A on transcript NM_001358235.2 (MANE Select); coding-DNA position 1058, C replaced by A.
Protein change: p.Ala353Glu; replaces alanine 353 with glutamic acid.
Molecular consequence: missense variant.
Genome position (GRCh38, 1-based): chr4:154,490,298, G>T on the plus strand (C>A on the coding strand, the complement: DCHS2 is on the minus strand). VCF-style: chr4-154490298-G-T. GRCh37 (hg19) VCF-style: chr4-155411450-G-T.
Other names: c.1058C>A, p.Ala353Glu (NM_001142552.2, NM_001412223.1); short protein forms A353E.
Identifiers: ClinVar variation 3044018 (VCV003044018.2), dbSNP rs192458400, ClinGen allele CA3113850.